The following is an entry in ClinVar:

NM_198506.5(LRIT3):c.259T>C (p.Trp87Arg)

Gene: LRIT3 (leucine rich repeat, Ig-like and transmembrane domains 3; plus strand). Cytogenetic location: 4q25.
Variant type: single nucleotide variant.
Coding change: c.259T>C on transcript NM_198506.5 (MANE Select); coding-DNA position 259, T replaced by C.
Protein change: p.Trp87Arg; replaces tryptophan 87 with arginine.
Molecular consequence: missense variant.
Genome position (GRCh38, 1-based): chr4:109,851,646, T>C. VCF-style: chr4-109851646-T-C. GRCh37 (hg19) VCF-style: chr4-110772802-T-C.
Other names: short protein forms W87R.
Identifiers: ClinVar variation 1011613 (VCV001011613.4), dbSNP rs908587711, ClinGen allele CA103731968.

ClinVar aggregate classification (germline): Uncertain significance. Review status: criteria provided, multiple submitters, no conflicts (2 of 4 stars). 2 submissions from 2 submitters: Uncertain significance (2). Last evaluated 2021-02-05.

Allele frequency attached by ClinVar (database versions not stated): gnomAD 0.00001; TOPMed 0.00002.
gnomAD v4.1: 22 of 1,551,620 alleles (0.0014%); highest among the groups gnomAD compares: Non-Finnish European, 0.0019%; no homozygotes.

Submissions (2):

Blueprint Genetics
Classification: Uncertain significance. Last evaluated: 2021-02-05. Review status: criteria provided, single submitter. Criteria: ACMG Guidelines, 2015. Collection method: clinical testing. Allele origin: germline.

Labcorp Genetics (formerly Invitae), Labcorp
Classification: Uncertain significance. Last evaluated: 2020-07-21. Review status: criteria provided, single submitter. Criteria: Invitae Variant Classification Sherloc (09022015). Collection method: clinical testing. Allele origin: germline.
Comment: In summary, the available evidence is currently insufficient to determine the role of this variant in disease. Therefore, it has been classified as a Variant of Uncertain Significance. This sequence change replaces tryptophan with arginine at codon 87 of the LRIT3 protein (p.Trp87Arg). The tryptophan residue is moderately conserved and there is a moderate physicochemical difference between tryptophan and arginine. This variant is not present in population databases (ExAC no frequency). This variant has not been reported in the literature in individuals with LRIT3-related conditions. Algorithms developed to predict the effect of missense changes on protein structure and function are either unavailable or do not agree on the potential impact of this missense change (SIFT: "Deleterious"; PolyPhen-2: "Probably Damaging"; Align-GVGD: "Class C0").